The following is an entry in ClinVar:

ClinVar aggregate classification (germline): Pathogenic. Review status: criteria provided, multiple submitters, no conflicts (2 of 4 stars). 3 submissions from 3 submitters: Pathogenic (3). Last evaluated 2026-01-02.

Conditions:
Inherited phaeochromocytoma and paraganglioma excluding NF1.
Hereditary cancer-predisposing syndrome. Also called: Tumor predisposition; Neoplastic Syndromes, Hereditary; Hereditary neoplastic syndrome; Hereditary Cancer Syndrome. Identifiers: Orphanet 140162, MedGen C0027672, MeSH D009386, MONDO:0015356.
Pheochromocytoma. Also called: MAX-Related Hereditary Paraganglioma-Pheochromocytoma Syndrome. Identifiers: Orphanet 29072, MedGen C0031511, MONDO:0008233, OMIM 171300, HP:0002666.
Gastrointestinal stromal tumor. Also called: Gastrointestinal stromal tumor, somatic; Gastrointestinal stroma tumor. Identifiers: Orphanet 44890, MedGen C0238198, MeSH D046152, MONDO:0011719, OMIM 606764, HP:0100723.
Pheochromocytoma/paraganglioma syndrome 4. Also called: CAROTID BODY TUMORS AND MULTIPLE EXTRAADRENAL PHEOCHROMOCYTOMAS; SDHB-Related Hereditary Paraganglioma-Pheochromocytoma Syndrome (Paragangliomas 4); Paragangliomas 4; SDHB-Related Hereditary Paraganglioma-Pheochromocytoma Syndrome; PARAGANGLIOMA, FAMILIAL MALIGNANT; PARAGANGLIOMAS, HEREDITARY EXTRAADRENAL. Identifiers: Orphanet 29072, MedGen C1861848, MONDO:0007273, OMIM 115310.

Submissions (3):

Ambry Genetics
Classification: Pathogenic for Hereditary cancer-predisposing syndrome. Last evaluated: 2026-01-02. Review status: criteria provided, single submitter. Criteria: Ambry Variant Classification Scheme 2023. Collection method: clinical testing. Allele origin: germline.
Comment: The c.17_18ins23 variant, located in coding exon 1 of the SDHB gene, results from an insertion of 23 nucleotides at position 17, causing a translational frameshift with a predicted alternate stop codon (p.A15Sfs*3). This variant was reported in individual(s) with features consistent with SDHB-related hereditary pheochromocytoma-paraganglioma (Ambry internal data). This variant is considered to be rare based on population cohorts in the Genome Aggregation Database (gnomAD). This alteration is expected to result in loss of function by premature protein truncation or nonsense-mediated mRNA decay. As such, this alteration is interpreted as a disease-causing mutation.

Cambridge Genomics Laboratory, East Genomic Laboratory Hub, NHS Genomic Medicine Service
Classification: Pathogenic for Inherited phaeochromocytoma and paraganglioma excluding NF1. Last evaluated: 2025-01-16. Review status: criteria provided, single submitter. Criteria: ACGS Best Practice Guidelines for Variant Classification in Rare Disease 2020. Collection method: clinical testing. Allele origin: germline. Affected: yes.
Comment: PVS1,PM2

Labcorp Genetics (formerly Invitae), Labcorp
Classification: Pathogenic for Gastrointestinal stromal tumor; Pheochromocytoma/paraganglioma syndrome 4; Pheochromocytoma. Last evaluated: 2021-04-21. Review status: criteria provided, single submitter. Criteria: Invitae Variant Classification Sherloc (09022015). Collection method: clinical testing. Allele origin: germline.
Comment: This sequence change creates a premature translational stop signal (p.Ala15Serfs*3) in the SDHB gene. It is expected to result in an absent or disrupted protein product. Loss-of-function variants in SDHB are known to be pathogenic (PMID: 19454582, 19802898). For these reasons, this variant has been classified as Pathogenic. This variant has not been reported in the literature in individuals with SDHB-related conditions. This variant is not present in population databases (ExAC no frequency).

Literature cited by the submitters: PubMed 19454582 (cited by Labcorp Genetics (formerly Invitae), Labcorp); PubMed 19802898 (cited by Labcorp Genetics (formerly Invitae), Labcorp).

NM_003000.3(SDHB):c.17_18insACTCTCCTTGAGGCGCCGGTTGC (p.Ala15fs)

Gene: SDHB (succinate dehydrogenase complex iron sulfur subunit B; minus strand). Cytogenetic location: 1p36.13.
Variant type: Insertion.
Coding change: c.17_18insACTCTCCTTGAGGCGCCGGTTGC on transcript NM_003000.3 (MANE Select); coding-DNA positions 17 to 18, ACTCTCCTTGAGGCGCCGGTTGC inserted.
Protein change: p.Ala15fs; shifts the reading frame from alanine 15.
Molecular consequence: frameshift variant.
Genome position: GRCh38 VCF-style: chr1-17054002-G-GGCAACCGGCGCCTCAAGGAGAGT. GRCh37 (hg19) VCF-style: chr1-17380497-G-GGCAACCGGCGCCTCAAGGAGAGT.
Other names: c.17_18insACTCTCCTTGAGGCGCCGGTTGC (NM_003000.2); short protein forms A15fs.
Identifiers: ClinVar variation 1074491 (VCV001074491.7), dbSNP rs2101551903, ClinGen allele CA2499214315.